The following is an entry in ClinVar:

NM_001846.4(COL4A2):c.4618C>T (p.Arg1540Trp)

Genes: COL4A2 (collagen type IV alpha 2 chain; plus strand), COL4A2-AS1 (COL4A2 antisense RNA 1; minus strand). Cytogenetic location: 13q34.
Variant type: single nucleotide variant.
Coding change: c.4618C>T on transcript NM_001846.4 (MANE Select); coding-DNA position 4618, C replaced by T.
Protein change: p.Arg1540Trp; replaces arginine 1540 with tryptophan.
Molecular consequence: missense variant.
Genome position (GRCh38, 1-based): chr13:110,507,958, C>T. VCF-style: chr13-110507958-C-T. GRCh37 (hg19) VCF-style: chr13-111160305-C-T.
Other names: short protein forms R1540W.
Identifiers: ClinVar variation 2338457 (VCV002338457.3), dbSNP rs375976442, ClinGen allele CA7050617.

ClinVar aggregate classification (germline): Uncertain significance. Review status: criteria provided, multiple submitters, no conflicts (2 of 4 stars). 2 submissions from 2 submitters: Uncertain significance (2). Last evaluated 2025-08-29.

Conditions:
Inborn genetic diseases. Identifiers: MedGen C0950123, MeSH D030342.

Allele frequency attached by ClinVar (database versions not stated): ExAC 0.00002; gnomAD 0.00002; gnomAD exomes 0.00002; TOPMed 0.00002; ESP Exome Variant Server 0.00016.
gnomAD v4.1: 36 of 1,613,828 alleles (0.0022%); highest among the groups gnomAD compares: South Asian, 0.0066%; no homozygotes.

Submissions (2):

Labcorp Genetics (formerly Invitae), Labcorp
Classification: Uncertain significance. Last evaluated: 2025-08-29. Review status: criteria provided, single submitter. Criteria: Invitae Variant Classification Sherloc (09022015). Collection method: clinical testing. Allele origin: germline.
Comment: This sequence change replaces arginine, which is basic and polar, with tryptophan, which is neutral and slightly polar, at codon 1540 of the COL4A2 protein (p.Arg1540Trp). This variant is present in population databases (rs375976442, gnomAD 0.01%). This variant has not been reported in the literature in individuals affected with COL4A2-related conditions. ClinVar contains an entry for this variant (Variation ID: 2338457). Invitae Evidence Modeling of protein sequence and biophysical properties (such as structural, functional, and spatial information, amino acid conservation, physicochemical variation, residue mobility, and thermodynamic stability) has been performed for this missense variant. However, the output from this modeling did not meet the statistical confidence thresholds required to predict the impact of this variant on COL4A2 protein function. In summary, the available evidence is currently insufficient to determine the role of this variant in disease. Therefore, it has been classified as a Variant of Uncertain Significance.

Ambry Genetics
Classification: Uncertain significance for Inborn genetic diseases. Last evaluated: 2022-12-21. Review status: criteria provided, single submitter. Criteria: Ambry Variant Classification Scheme 2023. Collection method: clinical testing. Allele origin: germline.